The following is an entry in ClinVar:

ClinVar aggregate classification (germline): Uncertain significance (1 of 4 stars; one submission).

Conditions:
Epidermolysis bullosa simplex 5C, with pyloric atresia (EBS5C). Also called: PLEC-Related Epidermolysis Bullosa with Pyloric Atresia; Epidermolysis bullosa simplex with pyloric atresia; PLEC1-Related Epidermolysis Bullosa with Pyloric Atresia. Identifiers: Orphanet 158684, MedGen C2677349, MONDO:0012807, OMIM 612138.
Autosomal recessive limb-girdle muscular dystrophy type 2Q (LGMDR17). Also called: MUSCULAR DYSTROPHY, LIMB-GIRDLE, AUTOSOMAL RECESSIVE 17. Identifiers: Orphanet 254361, MedGen C3150989, MONDO:0013390, OMIM 613723.
Epidermolysis bullosa simplex, Ogna type (EBS5A). Also called: Pidermolysis bullosa simplex 5A, Ogna type; EPIDERMOLYSIS BULLOSA SIMPLEX 5A, OGNA TYPE. Identifiers: Orphanet 79401, MedGen C0432317, MONDO:0007555, OMIM 131950.
Epidermolysis bullosa simplex 5B, with muscular dystrophy (EBS5B). Also called: Epidermolysis bullosa simplex with muscular dystrophy; EPIDERMOLYSIS BULLOSA SIMPLEX AND LIMB-GIRDLE MUSCULAR DYSTROPHY. Identifiers: Orphanet 257, MedGen C2931072, MONDO:0009181, OMIM 226670.
Epidermolysis bullosa simplex with nail dystrophy (EBS5D). Identifiers: MedGen C4225309, MONDO:0014661, OMIM 616487.

Submission:

Labcorp Genetics (formerly Invitae), Labcorp
Classification: Uncertain significance for Autosomal recessive limb-girdle muscular dystrophy type 2Q; Epidermolysis bullosa simplex, Ogna type; Epidermolysis bullosa simplex with nail dystrophy; Epidermolysis bullosa simplex 5C, with pyloric atresia; Epidermolysis bullosa simplex 5B, with muscular dystrophy. Last evaluated: 2022-03-07. Review status: criteria provided, single submitter. Criteria: Invitae Variant Classification Sherloc (09022015). Collection method: clinical testing. Allele origin: germline.
Comment: This sequence change replaces glutamine, which is neutral and polar, with glutamic acid, which is acidic and polar, at codon 1910 of the PLEC protein (p.Gln1910Glu). In summary, the available evidence is currently insufficient to determine the role of this variant in disease. Therefore, it has been classified as a Variant of Uncertain Significance. Algorithms developed to predict the effect of missense changes on protein structure and function are either unavailable or do not agree on the potential impact of this missense change (SIFT: "Deleterious"; PolyPhen-2: "Not Available"; Align-GVGD: "Class C25"). This variant has not been reported in the literature in individuals affected with PLEC-related conditions. This variant is not present in population databases (gnomAD no frequency).

NM_201384.3(PLEC):c.5647C>G (p.Gln1883Glu)

Gene: PLEC (plectin; minus strand). Cytogenetic location: 8q24.3.
Variant type: single nucleotide variant.
Coding change: c.5647C>G on transcript NM_201384.3 (MANE Select); coding-DNA position 5647, C replaced by G.
Protein change: p.Gln1883Glu; replaces glutamine 1883 with glutamic acid.
Molecular consequence: missense variant.
Genome position (GRCh38, 1-based): chr8:143,924,282, G>C on the plus strand (C>G on the coding strand, the complement: PLEC is on the minus strand). VCF-style: chr8-143924282-G-C. GRCh37 (hg19) VCF-style: chr8-144998450-G-C.
Other names: c.5728C>G, p.Gln1910Glu (NM_000445.5); c.5605C>G, p.Gln1869Glu (NM_201378.4); c.5581C>G, p.Gln1861Glu (NM_201379.3); c.6058C>G, p.Gln2020Glu (NM_201380.4); c.5551C>G, p.Gln1851Glu (NM_201381.3); c.5647C>G, p.Gln1883Glu (NM_201382.4); c.5659C>G, p.Gln1887Glu (NM_201383.3); short protein forms Q1869E, Q2020E, Q1887E, Q1910E, Q1861E, Q1851E, Q1883E.
Identifiers: ClinVar variation 2102891 (VCV002102891.4), dbSNP rs2537875205, ClinGen allele CA372542964.